The following is an entry in ClinVar:

NM_170606.3(KMT2C):c.7835C>T (p.Pro2612Leu)

Gene: KMT2C (lysine methyltransferase 2C; minus strand). Cytogenetic location: 7q36.1.
Variant type: single nucleotide variant.
Coding change: c.7835C>T on transcript NM_170606.3 (MANE Select); coding-DNA position 7835, C replaced by T.
Protein change: p.Pro2612Leu; replaces proline 2612 with leucine.
Molecular consequence: missense variant.
Genome position (GRCh38, 1-based): chr7:152,177,618, G>A on the plus strand (C>T on the coding strand, the complement: KMT2C is on the minus strand). VCF-style: chr7-152177618-G-A. GRCh37 (hg19) VCF-style: chr7-151874703-G-A.
Other names: short protein forms P2612L.
Identifiers: ClinVar variation 4536998 (VCV004536998.1).

ClinVar aggregate classification (germline): Uncertain significance (1 of 4 stars; one submission).

gnomAD v4.1: 3 of 1,614,132 alleles (0.00019%); highest among the groups gnomAD compares: Non-Finnish European, 0.00025%; no homozygotes.

Submission:

Women's Health and Genetics/Laboratory Corporation of America, LabCorp
Classification: Uncertain significance. Last evaluated: 2025-11-06. Review status: criteria provided, single submitter. Criteria: LabCorp Variant Classification Summary - May 2015. Collection method: clinical testing. Allele origin: germline.
Comment: Variant summary: KMT2C c.7835C>T (p.Pro2612Leu) results in a non-conservative amino acid change in the encoded protein sequence. Algorithms developed to predict the effect of missense changes on protein structure and function are either unavailable or do not agree on the potential impact of this missense change. The variant was absent in 251364 control chromosomes. The available data on variant occurrences in the general population are insufficient to allow any conclusion about variant significance. To our knowledge, no occurrence of c.7835C>T in individuals affected with KMT2C-related conditions and no experimental evidence demonstrating its impact on protein function have been reported. No submitters have cited clinical-significance assessments for this variant to ClinVar. Based on the evidence outlined above, the variant was classified as uncertain significance.